The following is an entry in ClinVar:

ClinVar aggregate classification (germline): Pathogenic/Likely pathogenic. Review status: criteria provided, multiple submitters, no conflicts (2 of 4 stars). 3 submissions from 3 submitters: Pathogenic (1); Likely pathogenic (2). Last evaluated 2025-09-23.

Conditions:
Left ventricular noncompaction cardiomyopathy. Also called: left ventricular non-compaction cardiomyopathy. Identifiers: MedGen C4021133, HP:0011664.
TTN-related disorder. Also called: TTN-related disorders; TTN-related condition; TTN-related disease.
Dilated cardiomyopathy 1G (CMD1G). Identifiers: Orphanet 154, MedGen C1858763, MONDO:0011400, OMIM 604145.
Autosomal recessive limb-girdle muscular dystrophy type 2J (LGMDR10). Also called: Limb-girdle muscular dystrophy, type 2J; MUSCULAR DYSTROPHY, LIMB-GIRDLE, AUTOSOMAL RECESSIVE 10. Identifiers: Orphanet 140922, MedGen C1837342, MONDO:0012127, OMIM 608807.

Submissions (3):

Labcorp Genetics (formerly Invitae), Labcorp
Classification: Likely pathogenic for Dilated cardiomyopathy 1G; Autosomal recessive limb-girdle muscular dystrophy type 2J. Last evaluated: 2025-09-23. Review status: criteria provided, single submitter. Criteria: Invitae Variant Classification Sherloc (09022015). Collection method: clinical testing. Allele origin: germline.
Comment: This sequence change creates a premature translational stop signal (p.Gln23627*) in the TTN gene. While this is not anticipated to result in nonsense mediated decay, it is expected to create a truncated TTN protein. This variant is not present in population databases (gnomAD no frequency). This premature translational stop signal has been observed in individual(s) with dilated cardiomyopathy and/or left ventricular noncompaction cardiomyopathy (PMID: 34540771; internal data). ClinVar contains an entry for this variant (Variation ID: 651090). This variant is located in the A band of TTN (PMID: 25589632). Truncating variants in this region are significantly overrepresented in patients affected with dilated cardiomyopathy (PMID: 25589632). Truncating variants in this region have also been reported in individuals affected with autosomal recessive centronuclear myopathy (PMID: 23975875). In summary, the currently available evidence indicates that the variant is pathogenic, but additional data are needed to prove that conclusively. Therefore, this variant has been classified as Likely Pathogenic.

Blueprint Genetics
Classification: Pathogenic for TTN-related disorders. Last evaluated: 2023-01-12. Review status: criteria provided, single submitter. Criteria: ACMG Guidelines, 2015. Collection method: clinical testing. Allele origin: germline. Affected: yes. Observed: 1 variant allele.

Klaassen Lab, Charite University Medicine Berlin
Classification: Likely pathogenic for Left ventricular noncompaction cardiomyopathy. Review status: criteria provided, single submitter. Criteria: ACMG Guidelines, 2015. Collection method: research. Allele origin: germline. Affected: yes.

Literature cited by the submitters: PubMed 34540771 (cited by Labcorp Genetics (formerly Invitae), Labcorp and Klaassen Lab, Charite University Medicine Berlin); PubMed 25589632 (cited by Labcorp Genetics (formerly Invitae), Labcorp); PubMed 23975875 (cited by Labcorp Genetics (formerly Invitae), Labcorp).

NM_001267550.2(TTN):c.70879C>T (p.Gln23627Ter)

Genes: TTN (titin; minus strand), TTN-AS1 (TTN antisense RNA 1; plus strand). Cytogenetic location: 2q31.2.
Variant type: single nucleotide variant.
Coding change: c.70879C>T on transcript NM_001267550.2 (MANE Select); coding-DNA position 70879, C replaced by T.
Protein change: p.Gln23627Ter; replaces glutamine 23627 with a stop codon.
Molecular consequence: nonsense.
Genome position (GRCh38, 1-based): chr2:178,575,253, G>A on the plus strand (C>T on the coding strand, the complement: TTN is on the minus strand). VCF-style: chr2-178575253-G-A. GRCh37 (hg19) VCF-style: chr2-179439980-G-A.
Other names: c.70879C>T (NM_001267550.1); c.65956C>T, p.Gln21986Ter (NM_001256850.1); c.43684C>T, p.Gln14562Ter (NM_003319.4); c.63175C>T, p.Gln21059Ter (NM_133378.4); c.44059C>T, p.Gln14687Ter (NM_133432.3); c.44260C>T, p.Gln14754Ter (NM_133437.4); short protein forms Q21986*, Q23627*, Q14687*, Q21059*, Q14562*, Q14754*.
Identifiers: ClinVar variation 651090 (VCV000651090.13), dbSNP rs1575799625, ClinGen allele CA349660525.